The following is an entry in ClinVar:

ClinVar aggregate classification (germline): Uncertain significance (1 of 4 stars; one submission).

gnomAD v4.1: 1 of 1,613,642 alleles (0.000062%); highest among the groups gnomAD compares: Non-Finnish European, 0.000085%; no homozygotes.

Submission:

Labcorp Genetics (formerly Invitae), Labcorp
Classification: Uncertain significance. Last evaluated: 2024-04-07. Review status: criteria provided, single submitter. Criteria: Invitae Variant Classification Sherloc (09022015). Collection method: clinical testing. Allele origin: germline.
Comment: This sequence change replaces threonine, which is neutral and polar, with serine, which is neutral and polar, at codon 1038 of the KIF11 protein (p.Thr1038Ser). This variant is not present in population databases (gnomAD no frequency). This variant has not been reported in the literature in individuals affected with KIF11-related conditions. An algorithm developed to predict the effect of missense changes on protein structure and function (PolyPhen-2) suggests that this variant is likely to be tolerated. Algorithms developed to predict the effect of sequence changes on RNA splicing suggest that this variant may disrupt the consensus splice site. In summary, the available evidence is currently insufficient to determine the role of this variant in disease. Therefore, it has been classified as a Variant of Uncertain Significance.

NM_004523.4(KIF11):c.3113C>G (p.Thr1038Ser)

Gene: KIF11 (kinesin family member 11; plus strand). Cytogenetic location: 10q23.33.
Variant type: single nucleotide variant.
Coding change: c.3113C>G on transcript NM_004523.4 (MANE Select); coding-DNA position 3113, C replaced by G.
Protein change: p.Thr1038Ser; replaces threonine 1038 with serine.
Molecular consequence: missense variant.
Genome position (GRCh38, 1-based): chr10:92,653,738, C>G. VCF-style: chr10-92653738-C-G. GRCh37 (hg19) VCF-style: chr10-94413495-C-G.
Other names: short protein forms T1038S.
Identifiers: ClinVar variation 3649091 (VCV003649091.2).